The following is an entry in ClinVar:

NM_018122.5(DARS2):c.228-20dup

Gene: DARS2 (aspartyl-tRNA synthetase 2, mitochondrial; plus strand). Cytogenetic location: 1q25.1.
Variant type: Duplication.
Coding change: c.228-20dup on transcript NM_018122.5 (MANE Select); 20 bases into the intron before coding-DNA position 228, one base duplicated (T; older notation c.228-20dupT).
Molecular consequence: intron variant.
Genome position (GRCh38, 1-based): chr1:173,828,313, T duplicated; the last of 4 consecutive T bases (chr1:173,828,310-173,828,313); duplicating any one gives the same sequence. VCF-style (leftmost placement, unchanged base first): chr1-173828309-C-CT. GRCh37 (hg19) VCF-style: chr1-173797447-C-CT.
Other names: c.228-20dup (NM_001365212.1, NM_001365213.2).
Identifiers: ClinVar variation 418155 (VCV000418155.7), dbSNP rs143246542, ClinGen allele CA1250047.

ClinVar aggregate classification (germline): Likely benign. Review status: criteria provided, single submitter (1 of 4 stars). 3 submissions from 2 submitters: Likely benign (1). 2 of the submissions do not count toward it. Last evaluated 2021-05-15.

Submissions (3):

GeneDx
Classification: Likely benign. Last evaluated: 2021-05-15. Review status: criteria provided, single submitter. Criteria: GeneDx Variant Classification Process June 2021. Collection method: clinical testing. Allele origin: germline. Affected: yes.
Comment: This variant is associated with the following publications: (PMID: 27408822)

Mayo Clinic Laboratories, Mayo Clinic
Classification: Benign. Last evaluated: 2016-03-16. Review status: no assertion criteria provided. Collection method: clinical testing. Allele origin: unknown. Not counted in ClinVar's aggregate classification.

GeneDx
Classification: Benign. Last evaluated: 2019-08-15. Review status: flagged submission. Criteria: GeneDx Variant Classification Process June 2021. Collection method: clinical testing. Allele origin: germline. Affected: yes. Not counted in ClinVar's aggregate classification.
ClinVar note: Reason: This record appears to be redundant with a more recent record from the same submitter.
ClinVar note: Notes: SCV001857199 appears to be redundant with SCV000564927.